The following is an entry in ClinVar:

NM_001082486.2(ACD):c.1072C>T (p.His358Tyr)

Gene: ACD (ACD shelterin complex subunit and telomerase recruitment factor; minus strand). Cytogenetic location: 16q22.1.
Variant type: single nucleotide variant.
Coding change: c.1072C>T on transcript NM_001082486.2 (MANE Select); coding-DNA position 1072, C replaced by T.
Protein change: p.His358Tyr; replaces histidine 358 with tyrosine.
Molecular consequence: missense variant.
Genome position (GRCh38, 1-based): chr16:67,658,120, G>A on the plus strand (C>T on the coding strand, the complement: ACD is on the minus strand). VCF-style: chr16-67658120-G-A. GRCh37 (hg19) VCF-style: chr16-67692023-G-A.
Other names: c.985C>T, p.His329Tyr (NM_001410884.1); c.1063C>T, p.His355Tyr (NM_022914.3); short protein forms H358Y, H329Y, H355Y.
Identifiers: ClinVar variation 3691933 (VCV003691933.2).

ClinVar aggregate classification (germline): Uncertain significance (1 of 4 stars; one submission).

Conditions:
Dyskeratosis congenita, autosomal dominant 6 (DKCA6). Identifiers: Orphanet 3322, MedGen C4225284, MONDO:0014690, OMIM 616553.

gnomAD v4.1: 1 of 1,592,710 alleles (0.000063%); highest among the groups gnomAD compares: Non-Finnish European, 0.000086%; no homozygotes.

Submission:

Labcorp Genetics (formerly Invitae), Labcorp
Classification: Uncertain significance for Dyskeratosis congenita, autosomal dominant 6. Last evaluated: 2024-02-09. Review status: criteria provided, single submitter. Criteria: Invitae Variant Classification Sherloc (09022015). Collection method: clinical testing. Allele origin: germline.
Comment: This sequence change replaces histidine, which is basic and polar, with tyrosine, which is neutral and polar, at codon 444 of the ACD protein (p.His444Tyr). This variant is not present in population databases (gnomAD no frequency). This variant has not been reported in the literature in individuals affected with ACD-related conditions. Advanced modeling of protein sequence and biophysical properties (such as structural, functional, and spatial information, amino acid conservation, physicochemical variation, residue mobility, and thermodynamic stability) performed at Invitae indicates that this missense variant is not expected to disrupt ACD protein function with a negative predictive value of 80%. In summary, the available evidence is currently insufficient to determine the role of this variant in disease. Therefore, it has been classified as a Variant of Uncertain Significance.